The following is an entry in ClinVar:

ClinVar aggregate classification (germline): Conflicting classifications of pathogenicity. Review status: criteria provided, conflicting classifications (1 of 4 stars). 4 submissions from 4 submitters: Uncertain significance (3); Likely benign (1). Last evaluated 2025-07-01.

Conditions:
Autosomal dominant nonsyndromic hearing loss 13. Identifiers: Orphanet 90635, MedGen C1866095, MONDO:0011159, OMIM 601868.
Autosomal recessive nonsyndromic hearing loss 53. Identifiers: Orphanet 90636, MedGen C1864746, MONDO:0012333, OMIM 609706.
Otospondylomegaepiphyseal dysplasia, autosomal recessive (OSMEDB). Also called: Insley-Astley syndrome; CHONDRODYSTROPHY WITH SENSORINEURAL DEAFNESS. Identifiers: Orphanet 1427, MedGen CN034493, MONDO:0044206, OMIM 215150.
Otospondylomegaepiphyseal dysplasia, autosomal dominant (OSMEDA). Also called: COL11A2-Related Stickler Syndrome; Pierre Robin syndrome with fetal chondrodysplasia; Stickler syndrome, type 3. Identifiers: Orphanet 166100, Orphanet 3450, MedGen C1848488, MONDO:0008490, OMIM 184840.
Fibrochondrogenesis 2 (FBCG2). Identifiers: Orphanet 2021, MedGen C3281128, MONDO:0013795, OMIM 614524.

Allele frequency attached by ClinVar (database versions not stated): ExAC 0.00003; gnomAD exomes 0.00004.
gnomAD v4.1: 98 of 1,612,658 alleles (0.0061%); highest among the groups gnomAD compares: Non-Finnish European, 0.008%; no homozygotes.

Submissions (4):

GeneDx
Classification: Uncertain significance. Last evaluated: 2025-07-01. Review status: criteria provided, single submitter. Criteria: GeneDx Variant Classification Process June 2021. Collection method: clinical testing. Allele origin: germline.
Comment: Has not been previously published as pathogenic or benign to our knowledge; In silico analysis suggests that this missense variant does not alter protein structure/function

Labcorp Genetics (formerly Invitae), Labcorp
Classification: Likely benign. Last evaluated: 2025-03-11. Review status: criteria provided, single submitter. Criteria: Invitae Variant Classification Sherloc (09022015). Collection method: clinical testing. Allele origin: germline.

Blueprint Genetics
Classification: Uncertain significance. Last evaluated: 2023-10-13. Review status: criteria provided, single submitter. Criteria: ACMG Guidelines, 2015. Collection method: clinical testing. Allele origin: germline.

Fulgent Genetics
Classification: Uncertain significance for Otospondylomegaepiphyseal dysplasia, autosomal dominant; Otospondylomegaepiphyseal dysplasia, autosomal recessive; Autosomal dominant nonsyndromic hearing loss 13; Autosomal recessive nonsyndromic hearing loss 53; Fibrochondrogenesis 2. Last evaluated: 2022-02-11. Review status: criteria provided, single submitter. Criteria: ACMG Guidelines, 2015. Collection method: clinical testing. Allele origin: unknown.

NM_080680.3(COL11A2):c.1726A>G (p.Thr576Ala)

Gene: COL11A2 (collagen type XI alpha 2 chain; minus strand). Cytogenetic location: 6p21.32.
Variant type: single nucleotide variant.
Coding change: c.1726A>G on transcript NM_080680.3 (MANE Select); coding-DNA position 1726, A replaced by G.
Protein change: p.Thr576Ala; replaces threonine 576 with alanine.
Molecular consequence: missense variant.
Genome position (GRCh38, 1-based): chr6:33,178,482, T>C on the plus strand (A>G on the coding strand, the complement: COL11A2 is on the minus strand). VCF-style: chr6-33178482-T-C. GRCh37 (hg19) VCF-style: chr6-33146259-T-C.
Other names: c.1405A>G, p.Thr469Ala (NM_080679.3); c.1468A>G, p.Thr490Ala (NM_080681.3); short protein forms T469A, T490A, T576A.
Identifiers: ClinVar variation 1524943 (VCV001524943.12), dbSNP rs779116250, ClinGen allele CA3751226.